The following is an entry in ClinVar:

NM_001353345.2(SETD1B):c.3837C>T (p.Ala1279=)

Gene: SETD1B (SET domain containing 1B, histone lysine methyltransferase; plus strand). Cytogenetic location: 12q24.31.
Variant type: single nucleotide variant.
Coding change: c.3837C>T on transcript NM_001353345.2 (MANE Select); coding-DNA position 3837, C replaced by T.
Protein change: p.Ala1279=; no amino-acid change (alanine 1279 retained).
Molecular consequence: synonymous variant.
Genome position (GRCh38, 1-based): chr12:121,819,822, C>T. VCF-style: chr12-121819822-C-T. GRCh37 (hg19) VCF-style: chr12-122257728-C-T.
Identifiers: ClinVar variation 4823789 (VCV004823789.4).

ClinVar aggregate classification (germline): Likely benign (1 of 4 stars; one submission).

Submission:

CeGaT Center for Human Genetics Tuebingen
Classification: Likely benign. Last evaluated: 2026-03-01. Review status: criteria provided, single submitter. Criteria: CeGaT Center For Human Genetics Tuebingen Variant Classification Criteria Version 2. Collection method: clinical testing. Allele origin: germline. Affected: yes. Observed: 1 variant allele.
Comment: SETD1B: PM2:Supporting, BP4, BP7